The following is an entry in ClinVar:

NM_001267550.2(TTN):c.25224A>G (p.Thr8408=)

Gene: TTN (titin; minus strand). Cytogenetic location: 2q31.2.
Variant type: single nucleotide variant.
Coding change: c.25224A>G on transcript NM_001267550.2 (MANE Select); coding-DNA position 25224, A replaced by G.
Protein change: p.Thr8408=; no amino-acid change (threonine 8408 retained).
Molecular consequence: synonymous variant. On other transcripts: intron variant (3).
Genome position (GRCh38, 1-based): chr2:178,717,650, T>C on the plus strand (A>G on the coding strand, the complement: TTN is on the minus strand). VCF-style: chr2-178717650-T-C. GRCh37 (hg19) VCF-style: chr2-179582377-T-C.
Other names: c.24273A>G, p.Thr8091= (NM_001256850.1); c.21492A>G, p.Thr7164= (NM_133378.4); c.13282+20432A>G (NM_003319.4); c.13858+20432A>G (NM_133437.4); c.13657+20432A>G (NM_133432.3).
Identifiers: ClinVar variation 2929992 (VCV002929992.10), dbSNP rs374168239, ClinGen allele CA2000263.
Genomic context (GRCh38, chr2:178,717,650, plus strand): 5'-CCCTATGTGGCTCTGGTCAGTTTGTAAAATCTGAAGAGTTGCTACATTATGAACAAAAGA[T>C]GTCTGCAAATTAGCATCATCTTTCAAAAGAACCCCATCCTTGTACCAAGACACTTGAAGA-3'
Protein context (NP_001254479.2, residues 8398-8418): VLLKDDANLQ[Thr8408=]SFVHNVATLQ

ClinVar aggregate classification (germline): Likely benign. Review status: criteria provided, multiple submitters, no conflicts (2 of 4 stars). 2 submissions from 2 submitters: Likely benign (2). Last evaluated 2025-11-16.

Conditions:
Dilated cardiomyopathy 1G (CMD1G). Identifiers: Orphanet 154, MedGen C1858763, MONDO:0011400, OMIM 604145.
Autosomal recessive limb-girdle muscular dystrophy type 2J (LGMDR10). Also called: Limb-girdle muscular dystrophy, type 2J; MUSCULAR DYSTROPHY, LIMB-GIRDLE, AUTOSOMAL RECESSIVE 10. Identifiers: Orphanet 140922, MedGen C1837342, MONDO:0012127, OMIM 608807.

Allele frequency attached by ClinVar (database versions not stated): gnomAD exomes below 0.00001; ExAC 0.00002; gnomAD 0.00002; TOPMed 0.00003; ESP Exome Variant Server 0.00008; 1000 Genomes Project 30x 0.00016; 1000 Genomes Project 0.00020.
gnomAD v4.1: 5 of 1,613,444 alleles (0.00031%); highest among the groups gnomAD compares: East Asian, 0.0067%; no homozygotes.

Submissions (2):

Labcorp Genetics (formerly Invitae), Labcorp
Classification: Likely benign for Dilated cardiomyopathy 1G; Autosomal recessive limb-girdle muscular dystrophy type 2J. Last evaluated: 2025-11-16. Review status: criteria provided, single submitter. Criteria: Invitae Variant Classification Sherloc (09022015). Collection method: clinical testing. Allele origin: germline.

CeGaT Center for Human Genetics Tuebingen
Classification: Likely benign. Last evaluated: 2025-03-01. Review status: criteria provided, single submitter. Criteria: CeGaT Center For Human Genetics Tuebingen Variant Classification Criteria Version 2. Collection method: clinical testing. Allele origin: germline. Affected: yes. Observed: 1 variant allele.
Comment: TTN: BP4, BP7